The following is an entry in ClinVar:

ClinVar aggregate classification (germline): Uncertain significance. Review status: criteria provided, multiple submitters, no conflicts (2 of 4 stars). 3 submissions from 3 submitters: Uncertain significance (3). Last evaluated 2026-01-19.

Conditions:
Tumor predisposition syndrome 3 (TPDS3). Also called: Melanoma, cutaneous malignant, susceptibility to, 10; Glioma susceptibility 9; LONG TELOMERE SYNDROME, POT1-RELATED; POT1 Tumor Predisposition. Identifiers: Orphanet 618, MedGen C4014476, MONDO:0014368, OMIM 615848.
Hereditary cancer-predisposing syndrome. Also called: Tumor predisposition; Hereditary Cancer Syndrome; Neoplastic Syndromes, Hereditary; Hereditary neoplastic syndrome. Identifiers: Orphanet 140162, MedGen C0027672, MeSH D009386, MONDO:0015356.

Allele frequency attached by ClinVar (database versions not stated): TOPMed below 0.00001; ExAC 0.00002; gnomAD exomes 0.00002.
gnomAD v4.1: 9 of 1,610,102 alleles (0.00056%); highest among the groups gnomAD compares: South Asian, 0.0022%; no homozygotes.

Submissions (3):

Labcorp Genetics (formerly Invitae), Labcorp
Classification: Uncertain significance for Tumor predisposition syndrome 3. Last evaluated: 2026-01-19. Review status: criteria provided, single submitter. Criteria: Invitae Variant Classification Sherloc (09022015). Collection method: clinical testing. Allele origin: germline.
Comment: This sequence change replaces proline, which is neutral and non-polar, with leucine, which is neutral and non-polar, at codon 446 of the POT1 protein (p.Pro446Leu). This variant is present in population databases (rs761176134, gnomAD 0.007%). This variant has not been reported in the literature in individuals affected with POT1-related conditions. ClinVar contains an entry for this variant (Variation ID: 953254). Invitae Evidence Modeling of protein sequence and biophysical properties (such as structural, functional, and spatial information, amino acid conservation, physicochemical variation, residue mobility, and thermodynamic stability) indicates that this missense variant is not expected to disrupt POT1 protein function with a negative predictive value of 80%. In summary, the available evidence is currently insufficient to determine the role of this variant in disease. Therefore, it has been classified as a Variant of Uncertain Significance.

Ambry Genetics
Classification: Uncertain significance for Hereditary cancer-predisposing syndrome. Last evaluated: 2025-07-11. Review status: criteria provided, single submitter. Criteria: Ambry Variant Classification Scheme 2023. Collection method: clinical testing. Allele origin: germline.
Comment: The p.P446L variant (also known as c.1337C>T), located in coding exon 10 of the POT1 gene, results from a C to T substitution at nucleotide position 1337. The proline at codon 446 is replaced by leucine, an amino acid with similar properties. This amino acid position is not well conserved in available vertebrate species. In addition, this alteration is predicted to be tolerated by in silico analysis. Since supporting evidence is limited at this time, the clinical significance of this alteration remains unclear.

GeneDx
Classification: Uncertain significance. Last evaluated: 2022-06-29. Review status: criteria provided, single submitter. Criteria: GeneDx Variant Classification Process June 2021. Collection method: clinical testing. Allele origin: germline. Affected: yes.
Comment: Not observed at significant frequency in large population cohorts (gnomAD); In silico analysis supports that this missense variant does not alter protein structure/function; Has not been previously published as pathogenic or benign to our knowledge

NM_015450.3(POT1):c.1337C>T (p.Pro446Leu)

Gene: POT1 (protection of telomeres 1; minus strand). Cytogenetic location: 7q31.33.
Variant type: single nucleotide variant.
Coding change: c.1337C>T on transcript NM_015450.3 (MANE Select); coding-DNA position 1337, C replaced by T.
Protein change: p.Pro446Leu; replaces proline 446 with leucine.
Molecular consequence: missense variant. On other transcripts: non-coding transcript variant (3).
Genome position (GRCh38, 1-based): chr7:124,841,005, G>A on the plus strand (C>T on the coding strand, the complement: POT1 is on the minus strand). VCF-style: chr7-124841005-G-A. GRCh37 (hg19) VCF-style: chr7-124481059-G-A.
Other names: c.944C>T, p.Pro315Leu (NM_001042594.2); short protein forms P315L, P446L.
Identifiers: ClinVar variation 953254 (VCV000953254.12), dbSNP rs761176134, ClinGen allele CA4465163.
Genomic context (GRCh38, chr7:124,841,005, plus strand): 5'-TAACAAAACAGTGACTTAAATATCTTACCTTCTATCAAAAGTAGACATTCATTTGAAAGC[G>A]GGAGAATACCATTATTTTTCACAAAATGAACTGCTACTTTTCGTCCTTTTTGATTTTTAG-3'
Protein context (NP_056265.2, residues 436-456): VHFVKNNGIL[Pro446Leu]LSNECLLLIE